The following is an entry in ClinVar:

NM_004168.4(SDHA):c.1424G>A (p.Cys475Tyr)

Gene: SDHA (succinate dehydrogenase complex flavoprotein subunit A; plus strand). Cytogenetic location: 5p15.33.
Variant type: single nucleotide variant.
Coding change: c.1424G>A on transcript NM_004168.4 (MANE Select); coding-DNA position 1424, G replaced by A.
Protein change: p.Cys475Tyr; replaces cysteine 475 with tyrosine.
Molecular consequence: missense variant.
Genome position (GRCh38, 1-based): chr5:236,591, G>A. VCF-style: chr5-236591-G-A. GRCh37 (hg19) VCF-style: chr5-236706-G-A.
Other names: c.1280G>A, p.Cys427Tyr (NM_001294332.2); c.1424G>A, p.Cys475Tyr (NM_001330758.2); short protein forms C427Y, C475Y.
Identifiers: ClinVar variation 819167 (VCV000819167.15), dbSNP rs748567636, ClinGen allele CA3173220.

ClinVar aggregate classification (germline): Uncertain significance. Review status: criteria provided, multiple submitters, no conflicts (2 of 4 stars). 3 submissions from 3 submitters: Uncertain significance (3). Last evaluated 2026-08-13.

Conditions:
Hereditary cancer-predisposing syndrome. Also called: Tumor predisposition; Hereditary Cancer Syndrome; Neoplastic Syndromes, Hereditary; Hereditary neoplastic syndrome. Identifiers: Orphanet 140162, MedGen C0027672, MeSH D009386, MONDO:0015356.
Mitochondrial complex II deficiency, nuclear type 1. Also called: SUCCINATE CoQ REDUCTASE DEFICIENCY. Identifiers: Orphanet 3208, MedGen C5700310, MONDO:0100294, OMIM 252011.
Pheochromocytoma/paraganglioma syndrome 5. Also called: Paragangliomas 5; SDHA-Related Hereditary Paraganglioma-Pheochromocytoma Syndrome. Identifiers: Orphanet 29072, MedGen C3279992, MONDO:0013602, OMIM 614165.

Allele frequency attached by ClinVar (database versions not stated): gnomAD 0.00001; TOPMed 0.00002.
gnomAD v4.1: 4 of 1,613,868 alleles (0.00025%); highest among the groups gnomAD compares: Admixed American, 0.0017%; no homozygotes.

Submissions (3):

Ambry Genetics
Classification: Uncertain significance for Hereditary cancer-predisposing syndrome. Last evaluated: 2026-08-13. Review status: criteria provided, single submitter. Criteria: Ambry Variant Classification Scheme 2023. Collection method: clinical testing. Allele origin: germline.

Labcorp Genetics (formerly Invitae), Labcorp
Classification: Uncertain significance for Pheochromocytoma/paraganglioma syndrome 5; Mitochondrial complex II deficiency, nuclear type 1. Last evaluated: 2025-07-04. Review status: criteria provided, single submitter. Criteria: Invitae Variant Classification Sherloc (09022015). Collection method: clinical testing. Allele origin: germline.
Comment: This sequence change replaces cysteine, which is neutral and slightly polar, with tyrosine, which is neutral and polar, at codon 475 of the SDHA protein (p.Cys475Tyr). This variant is present in population databases (rs748567636, gnomAD 0.007%). This variant has not been reported in the literature in individuals affected with SDHA-related conditions. ClinVar contains an entry for this variant (Variation ID: 819167). Invitae Evidence Modeling of protein sequence and biophysical properties (such as structural, functional, and spatial information, amino acid conservation, physicochemical variation, residue mobility, and thermodynamic stability) indicates that this missense variant is not expected to disrupt SDHA protein function with a negative predictive value of 95%. In summary, the available evidence is currently insufficient to determine the role of this variant in disease. Therefore, it has been classified as a Variant of Uncertain Significance.

Quest Diagnostics Nichols Institute San Juan Capistrano
Classification: Uncertain significance. Last evaluated: 2024-07-10. Review status: criteria provided, single submitter. Criteria: Quest Diagnostics criteria. Collection method: clinical testing. Allele origin: unknown.
Comment: The SDHA c.1424G>A (p.Cys475Tyr) variant has not been reported in individuals with SDHA-related conditions in the published literature. The frequency of this variant in the general population, 0.000004 (1/251168 chromosomes (Genome Aggregation Database)), is uninformative in the assessment of its pathogenicity. Analysis of this variant using bioinformatics tools for the prediction of the effect of amino acid changes on protein structure and function yielded predictions that this variant is benign. Based on the available information, we are unable to determine the clinical significance of this variant.